The following is an entry in ClinVar:

NM_015331.3(NCSTN):c.1101_1101+17delinsTGTCCA

Gene: NCSTN (nicastrin; plus strand). Cytogenetic location: 1q23.2.
Variant type: Indel.
Coding change: c.1101_1101+17delinsTGTCCA on transcript NM_015331.3 (MANE Select); coding-DNA position 1101 through 17 bases into the intron after coding-DNA position 1101, GGTATGTGGCATGTCCCC replaced by TGTCCA.
Molecular consequence: splice donor variant.
Genome position (GRCh38, 1-based): chr1:160,352,991-160,353,008, GGTATGTGGCATGTCCCC replaced by TGTCCA. VCF-style: chr1-160352991-GGTATGTGGCATGTCCCC-TGTCCA. GRCh37 (hg19) VCF-style: chr1-160322781-GGTATGTGGCATGTCCCC-TGTCCA.
Other names: c.1041_1041+17delinsTGTCCA (NM_001290184.2); c.1101_1101+17delinsTGTCCA (NM_001349729.2); c.687_687+17delinsTGTCCA (NM_001290186.2).
Identifiers: ClinVar variation 2430258 (VCV002430258.1), dbSNP rs2525536152, ClinGen allele CA2580061286.

ClinVar aggregate classification (germline): Pathogenic (1 of 4 stars; one submission).

Conditions:
Acne inversa, familial, 1. Identifiers: MedGen C4551962, MONDO:0007728, OMIM 142690.

Submission:

Institute of Human Genetics, University of Leipzig Medical Center
Classification: Pathogenic for Acne inversa, familial, 1. Last evaluated: 2022-12-20. Review status: criteria provided, single submitter. Criteria: ACMG Guidelines, 2015. Collection method: clinical testing. Allele origin: unknown. Affected: yes.
Comment: _x000D_ Criteria applied: PVS1, PM2_SUP, PP4